The following is an entry in ClinVar:

NM_033159.4(HYAL1):c.445C>T (p.Gln149Ter)

Gene: HYAL1 (hyaluronidase 1; minus strand). Cytogenetic location: 3p21.31.
Variant type: single nucleotide variant.
Coding change: c.445C>T on transcript NM_033159.4 (MANE Select); coding-DNA position 445, C replaced by T.
Protein change: p.Gln149Ter; replaces glutamine 149 with a stop codon.
Molecular consequence: nonsense. On other transcripts: 5 prime UTR variant (1), non-coding transcript variant (1), intron variant (1).
Genome position (GRCh38, 1-based): chr3:50,302,512, G>A on the plus strand (C>T on the coding strand, the complement: HYAL1 is on the minus strand). VCF-style: chr3-50302512-G-A. GRCh37 (hg19) VCF-style: chr3-50339943-G-A.
Other names: c.445C>T, p.Gln149Ter (NM_153281.2, NM_153282.3); c.-102C>T (NM_153283.3); c.-26-307C>T (NM_153285.3); c.445C>T (NM_153281.1); short protein forms Q149*.
Identifiers: ClinVar variation 1455812 (VCV001455812.7), dbSNP rs1702209367, ClinGen allele CA352894207.

ClinVar aggregate classification (germline): Pathogenic/Likely pathogenic. Review status: criteria provided, multiple submitters, no conflicts (2 of 4 stars). 2 submissions from 2 submitters: Pathogenic (1); Likely pathogenic (1). Last evaluated 2024-08-23.

Conditions:
Deficiency of hyaluronoglucosaminidase (MPS9). Also called: MPS IX; Mucopolysaccharidosis type 9; HYALURONIDASE DEFICIENCY. Identifiers: Orphanet 67041, MedGen C1291490, MONDO:0011093, OMIM 601492.

Allele frequency attached by ClinVar (database versions not stated): gnomAD exomes below 0.00001; TOPMed below 0.00001.
gnomAD v4.1: 1 of 1,614,208 alleles (0.000062%); highest among the groups gnomAD compares: Non-Finnish European, 0.000085%; no homozygotes.

Submissions (2):

Natera, Inc.
Classification: Likely pathogenic for Mucopolysaccharidosis type IX. Last evaluated: 2024-08-23. Review status: criteria provided, single submitter. Criteria: Natera Variant Classification Schema (03/2026). Collection method: clinical testing. Allele origin: germline.
Comment: The c.445C>T variant in HYAL1 is a nonsense variant predicted to introduce a stop codon at amino acid 149. This variant is expected to result in nonsense mediated decay, truncation, or a dysfunctional protein product. This variant is rare in the general population with a frequency below the threshold expected for the associated phenotype(s). Given the available evidence, this variant is classified as Likely Pathogenic.

Labcorp Genetics (formerly Invitae), Labcorp
Classification: Pathogenic for Deficiency of hyaluronoglucosaminidase. Last evaluated: 2022-05-22. Review status: criteria provided, single submitter. Criteria: Invitae Variant Classification Sherloc (09022015). Collection method: clinical testing. Allele origin: germline.
Comment: For these reasons, this variant has been classified as Pathogenic. This sequence change creates a premature translational stop signal (p.Gln149*) in the HYAL1 gene. It is expected to result in an absent or disrupted protein product. Loss-of-function variants in HYAL1 are known to be pathogenic (PMID: 10339581, 21559944). This variant is not present in population databases (gnomAD no frequency). This variant has not been reported in the literature in individuals affected with HYAL1-related conditions. Algorithms developed to predict the effect of sequence changes on RNA splicing suggest that this variant may create or strengthen a splice site.

Literature cited by the submitters: PubMed 10339581 (cited by Labcorp Genetics (formerly Invitae), Labcorp); PubMed 21559944 (cited by Labcorp Genetics (formerly Invitae), Labcorp).